The following is an entry in ClinVar:

ClinVar aggregate classification (germline): Conflicting classifications of pathogenicity. Review status: criteria provided, conflicting classifications (1 of 4 stars). 6 submissions from 6 submitters: Uncertain significance (1); Likely benign (3). 2 of the submissions do not count toward it. Last evaluated 2026-01-21.

Conditions:
CDH23-related disorder. Also called: CDH23-related condition; CDH23-related disorders.
Usher syndrome type 1 (USH1). Also called: RETINITIS PIGMENTOSA AND CONGENITAL DEAFNESS. Identifiers: Orphanet 231169, Orphanet 886, MedGen C1568247, MONDO:0010168, OMIM 276900.

Allele frequency attached by ClinVar (database versions not stated): ExAC 0.00014; ESP Exome Variant Server 0.00048; gnomAD 0.00057 and 0.00054; TOPMed 0.00059; 1000 Genomes Project 30x 0.00109; gnomAD exomes 0.00010 and 0.00005; 1000 Genomes Project 0.00080.
gnomAD v4.1: 159 of 1,613,882 alleles (0.0099%); highest among the groups gnomAD compares: African/African-American, 0.19%; no homozygotes.

Submissions (6):

Labcorp Genetics (formerly Invitae), Labcorp
Classification: Likely benign. Last evaluated: 2026-01-21. Review status: criteria provided, single submitter. Criteria: Invitae Variant Classification Sherloc (09022015). Collection method: clinical testing. Allele origin: germline.

Blueprint Genetics
Classification: Likely benign. Last evaluated: 2024-06-11. Review status: criteria provided, single submitter. Criteria: ACMG Guidelines, 2015. Collection method: clinical testing. Allele origin: germline.

GeneDx
Classification: Likely benign. Last evaluated: 2019-09-24. Review status: criteria provided, single submitter. Criteria: GeneDx Variant Classification Process June 2021. Collection method: clinical testing. Allele origin: germline. Affected: yes.

Eurofins Ntd Llc (ga)
Classification: Uncertain significance. Last evaluated: 2018-04-04. Review status: criteria provided, single submitter. Criteria: EGL ClinVar v180209 classification definitions. Collection method: clinical testing. Allele origin: germline. Observed: 1 variant allele, 1 heterozygote.

PreventionGenetics, part of Exact Sciences
Classification: Likely benign for CDH23-related condition. Last evaluated: 2023-12-07. Review status: no assertion criteria provided. Collection method: clinical testing. Allele origin: germline. Not counted in ClinVar's aggregate classification.
Comment: This variant is classified as likely benign based on ACMG/AMP sequence variant interpretation guidelines (Richards et al. 2015 PMID: 25741868, with internal and published modifications).

Natera, Inc.
Classification: Uncertain significance for Usher syndrome type 1. Last evaluated: 2019-10-28. Review status: no assertion criteria provided. Collection method: clinical testing. Allele origin: germline. Not counted in ClinVar's aggregate classification.

NM_022124.6(CDH23):c.3927G>A (p.Glu1309=)

Genes: C10orf105 (chromosome 10 open reading frame 105; minus strand), CDH23 (cadherin related 23; plus strand). Cytogenetic location: 10q22.1.
Variant type: single nucleotide variant.
Coding change: c.3927G>A on transcript NM_022124.6 (MANE Select); coding-DNA position 3927, G replaced by A.
Protein change: p.Glu1309=; no amino-acid change (glutamic acid 1309 retained).
Molecular consequence: synonymous variant. On other transcripts: intron variant (1).
Genome position (GRCh38, 1-based): chr10:71,732,198, G>A. VCF-style: chr10-71732198-G-A. GRCh37 (hg19) VCF-style: chr10-73491955-G-A.
Other names: c.3927G>A, p.Glu1309= (NM_001171930.2); c.-6+5530C>T (NM_001168390.2).
Identifiers: ClinVar variation 596473 (VCV000596473.23), dbSNP rs115398922, ClinGen allele CA5544870.